The following is an entry in ClinVar:

NM_017807.4(OSGEP):c.289G>T (p.Ala97Ser)

Genes: OSGEP (O-sialoglycoprotein endopeptidase; minus strand), LOC107372315 (OSGEP/APEX1 bi-directional promoter region; plus strand). Cytogenetic location: 14q11.2.
Variant type: single nucleotide variant.
Coding change: c.289G>T on transcript NM_017807.4 (MANE Select); coding-DNA position 289, G replaced by T.
Protein change: p.Ala97Ser; replaces alanine 97 with serine.
Molecular consequence: missense variant.
Genome position (GRCh38, 1-based): chr14:20,452,096, C>A on the plus strand (G>T on the coding strand, the complement: OSGEP is on the minus strand). VCF-style: chr14-20452096-C-A. GRCh37 (hg19) VCF-style: chr14-20920255-C-A.
Other names: c.289G>T (NM_017807.3); short protein forms A97S.
Identifiers: ClinVar variation 1514884 (VCV001514884.6), dbSNP rs745759790, ClinGen allele CA7081281.

ClinVar aggregate classification (germline): Uncertain significance. Review status: criteria provided, multiple submitters, no conflicts (2 of 4 stars). 2 submissions from 2 submitters: Uncertain significance (2). Last evaluated 2024-10-24.

Conditions:
Inborn genetic diseases. Identifiers: MedGen C0950123, MeSH D030342.

Allele frequency attached by ClinVar (database versions not stated): gnomAD exomes 0.00003; TOPMed 0.00003; gnomAD 0.00004; ExAC 0.00002.
gnomAD v4.1: 74 of 1,613,672 alleles (0.0046%); highest among the groups gnomAD compares: Non-Finnish European, 0.0062%; no homozygotes.

Submissions (2):

Labcorp Genetics (formerly Invitae), Labcorp
Classification: Uncertain significance. Last evaluated: 2024-10-24. Review status: criteria provided, single submitter. Criteria: Invitae Variant Classification Sherloc (09022015). Collection method: clinical testing. Allele origin: germline.
Comment: This sequence change replaces alanine, which is neutral and non-polar, with serine, which is neutral and polar, at codon 97 of the OSGEP protein (p.Ala97Ser). This variant is present in population databases (rs745759790, gnomAD 0.008%). This variant has not been reported in the literature in individuals affected with OSGEP-related conditions. ClinVar contains an entry for this variant (Variation ID: 1514884). Invitae Evidence Modeling of protein sequence and biophysical properties (such as structural, functional, and spatial information, amino acid conservation, physicochemical variation, residue mobility, and thermodynamic stability) indicates that this missense variant is not expected to disrupt OSGEP protein function with a negative predictive value of 80%. In summary, the available evidence is currently insufficient to determine the role of this variant in disease. Therefore, it has been classified as a Variant of Uncertain Significance.

Ambry Genetics
Classification: Uncertain significance for Inborn genetic diseases. Last evaluated: 2023-08-28. Review status: criteria provided, single submitter. Criteria: Ambry Variant Classification Scheme 2023. Collection method: clinical testing. Allele origin: germline.